The following is an entry in ClinVar:

NM_000421.5(KRT10):c.1639_1653dup (p.543GGGSS[3])

Gene: KRT10 (keratin 10; minus strand). Cytogenetic location: 17q21.2.
Variant type: Duplication.
Coding change: c.1639_1653dup on transcript NM_000421.5 (MANE Select); coding-DNA positions 1639 to 1653, 15 bases duplicated (TCCGGCGGCGGCAGC).
Protein change: p.543GGGSS[3].
Molecular consequence: inframe insertion.
Genome position (GRCh38, 1-based): chr17:40,818,882-40,818,896, GCTGCCGCCGCCGGA duplicated on the plus strand (TCCGGCGGCGGCAGC on the coding strand, the reverse complement: KRT10 is on the minus strand); duplicating any 15 consecutive bases within chr17:40,818,882-40,818,905 gives the same sequence; the c. name uses the placement nearest the transcript's 3' end. VCF-style (leftmost placement, unchanged base first): chr17-40818881-T-TGCTGCCGCCGCCGGA. GRCh37 (hg19) VCF-style: chr17-38975133-T-TGCTGCCGCCGCCGGA.
Other names: c.1639_1653dup, p.543GGGSS[3] (NM_001379366.1); c.1639_1653dup15 (NM_000421.3).
Identifiers: ClinVar variation 808260 (VCV000808260.50), dbSNP rs752563839, ClinGen allele CA8547913.

ClinVar aggregate classification (germline): Conflicting classifications of pathogenicity. Review status: criteria provided, conflicting classifications (1 of 4 stars). 5 submissions from 5 submitters: Uncertain significance (1); Benign (1); Likely benign (2). 1 of the submissions does not count toward it. Last evaluated 2026-08-01.

Conditions:
KRT10-related disorder. Also called: KRT10-related condition.
Congenital reticular ichthyosiform erythroderma (IWC). Also called: ICHTHYOSIS WITH CONFETTI. Identifiers: Orphanet 281190, MedGen C3665704, MONDO:0012208, OMIM 609165.
Ichthyosis hystrix gravior. Also called: Ichthyosis histrix, Lambert type. Identifiers: MedGen C0432311, MONDO:0007809, OMIM 146600.
Epidermolytic hyperkeratosis 2B, autosomal recessive (EHK2B). Identifiers: MedGen C5882753, MONDO:0700245, OMIM 620707.
Ichthyosis, annular epidermolytic 1. Identifiers: MedGen CN324065, MONDO:0100303, OMIM 607602.
Epidermolytic hyperkeratosis 2A, autosomal dominant (EHK2A). Identifiers: MedGen C5882671, MONDO:0700248, OMIM 620150.

Submissions (5):

CeGaT Center for Human Genetics Tuebingen
Classification: Likely benign. Last evaluated: 2026-08-01. Review status: criteria provided, single submitter. Criteria: CeGaT Center For Human Genetics Tuebingen Variant Classification Criteria Version 2. Collection method: clinical testing. Allele origin: germline. Affected: yes. Observed: 6 variant alleles.
Comment: KRT10: BS2

Labcorp Genetics (formerly Invitae), Labcorp
Classification: Benign. Last evaluated: 2026-02-04. Review status: criteria provided, single submitter. Criteria: Invitae Variant Classification Sherloc (09022015). Collection method: clinical testing. Allele origin: germline.

Blueprint Genetics
Classification: Likely benign. Last evaluated: 2024-11-23. Review status: criteria provided, single submitter. Criteria: ACMG Guidelines, 2015. Collection method: clinical testing. Allele origin: germline.

Department of Pathology and Laboratory Medicine, Sinai Health System
Classification: Uncertain significance for Ichthyosis hystrix gravior; Ichthyosis, annular epidermolytic 1; Congenital reticular ichthyosiform erythroderma; Epidermolytic hyperkeratosis 2A, autosomal dominant; Epidermolytic hyperkeratosis 2B, autosomal recessive. Last evaluated: 2023-03-10. Review status: criteria provided, single submitter. Criteria: ACMG Guidelines, 2015. Collection method: research. Allele origin: germline.

PreventionGenetics, part of Exact Sciences
Classification: Benign for KRT10-related condition. Last evaluated: 2019-03-06. Review status: no assertion criteria provided. Collection method: clinical testing. Allele origin: germline. Not counted in ClinVar's aggregate classification.
Comment: This variant is classified as benign based on ACMG/AMP sequence variant interpretation guidelines (Richards et al. 2015 PMID: 25741868, with internal and published modifications).